The following is an entry in ClinVar:

NM_001378454.1(ALMS1):c.10284C>G (p.Asp3428Glu)

Gene: ALMS1 (ALMS1 centrosome and basal body associated protein; plus strand). Cytogenetic location: 2p13.1.
Variant type: single nucleotide variant.
Coding change: c.10284C>G on transcript NM_001378454.1 (MANE Select); coding-DNA position 10284, C replaced by G.
Protein change: p.Asp3428Glu; replaces aspartic acid 3428 with glutamic acid.
Molecular consequence: missense variant.
Genome position (GRCh38, 1-based): chr2:73,559,042, C>G. VCF-style: chr2-73559042-C-G. GRCh37 (hg19) VCF-style: chr2-73786169-C-G.
Other names: c.10287C>G, p.Asp3429Glu (NM_015120.4); short protein forms D3428E, D3429E.
Identifiers: ClinVar variation 1310525 (VCV001310525.5), dbSNP rs2104063874, ClinGen allele CA347277984.

ClinVar aggregate classification (germline): Uncertain significance. Review status: criteria provided, multiple submitters, no conflicts (2 of 4 stars). 3 submissions from 3 submitters: Uncertain significance (3). Last evaluated 2023-01-31.

Conditions:
Cardiovascular phenotype. Identifiers: MedGen CN230736.
Alstrom syndrome (ALMS). Identifiers: Orphanet 64, MedGen C0268425, MONDO:0008763, OMIM 203800.

gnomAD v4.1: 2 of 1,614,042 alleles (0.00012%); highest among the groups gnomAD compares: Non-Finnish European, 0.00017%; no homozygotes.

Submissions (3):

Ambry Genetics
Classification: Uncertain significance for Cardiovascular phenotype. Last evaluated: 2023-01-31. Review status: criteria provided, single submitter. Criteria: Ambry Variant Classification Scheme 2023. Collection method: clinical testing. Allele origin: germline.
Comment: The p.D3429E variant (also known as c.10287C>G), located in coding exon 15 of the ALMS1 gene, results from a C to G substitution at nucleotide position 10287. The aspartic acid at codon 3429 is replaced by glutamic acid, an amino acid with highly similar properties. This amino acid position is well conserved in available vertebrate species. In addition, this alteration is predicted to be tolerated by in silico analysis. Since supporting evidence is limited at this time, the clinical significance of this alteration remains unclear.

Labcorp Genetics (formerly Invitae), Labcorp
Classification: Uncertain significance for Alstrom syndrome. Last evaluated: 2022-07-08. Review status: criteria provided, single submitter. Criteria: Invitae Variant Classification Sherloc (09022015). Collection method: clinical testing. Allele origin: germline.
Comment: This sequence change replaces aspartic acid, which is acidic and polar, with glutamic acid, which is acidic and polar, at codon 3429 of the ALMS1 protein (p.Asp3429Glu). This variant is not present in population databases (gnomAD no frequency). This variant has not been reported in the literature in individuals affected with ALMS1-related conditions. ClinVar contains an entry for this variant (Variation ID: 1310525). Experimental studies and prediction algorithms are not available or were not evaluated, and the functional significance of this variant is currently unknown. In summary, the available evidence is currently insufficient to determine the role of this variant in disease. Therefore, it has been classified as a Variant of Uncertain Significance.

GeneDx
Classification: Uncertain significance. Last evaluated: 2019-11-22. Review status: criteria provided, single submitter. Criteria: GeneDx Variant Classification Process June 2021. Collection method: clinical testing. Allele origin: germline. Affected: yes.
Comment: Not observed in large population cohorts (Lek et al., 2016); Has not been previously published as pathogenic or benign to our knowledge